The following is an entry in ClinVar:

ClinVar aggregate classification (germline): Uncertain significance (1 of 4 stars; one submission).

Conditions:
Imerslund-Grasbeck syndrome. Also called: ENTEROCYTE COBALAMIN MALABSORPTION; ENTEROCYTE INTRINSIC FACTOR RECEPTOR, DEFECT OF; PERNICIOUS ANEMIA, JUVENILE, DUE TO SELECTIVE INTESTINAL MALABSORPTION OF VITAMIN B12, WITH PROTEINURIA; Megaloblastic anemia due to inborn errors of metabolism; Imerslund-Gräsbeck syndrome. Identifiers: Orphanet 35858, MedGen C4551825, MONDO:0009853.

Submission:

Labcorp Genetics (formerly Invitae), Labcorp
Classification: Uncertain significance for Imerslund-Grasbeck syndrome. Last evaluated: 2020-12-28. Review status: criteria provided, single submitter. Criteria: Invitae Variant Classification Sherloc (09022015). Collection method: clinical testing. Allele origin: germline.
Comment: This sequence change replaces glutamine with glutamic acid at codon 693 of the CUBN protein (p.Gln693Glu). The glutamine residue is weakly conserved and there is a small physicochemical difference between glutamine and glutamic acid. This variant is not present in population databases (ExAC no frequency). This variant has not been reported in the literature in individuals with CUBN-related conditions. Algorithms developed to predict the effect of missense changes on protein structure and function (SIFT, PolyPhen-2, Align-GVGD) all suggest that this variant is likely to be tolerated, but these predictions have not been confirmed by published functional studies and their clinical significance is uncertain. In summary, the available evidence is currently insufficient to determine the role of this variant in disease. Therefore, it has been classified as a Variant of Uncertain Significance.

NM_001081.4(CUBN):c.2077C>G (p.Gln693Glu)

Gene: CUBN (cubilin; minus strand). Cytogenetic location: 10p13.
Variant type: single nucleotide variant.
Coding change: c.2077C>G on transcript NM_001081.4 (MANE Select); coding-DNA position 2077, C replaced by G.
Protein change: p.Gln693Glu; replaces glutamine 693 with glutamic acid.
Molecular consequence: missense variant.
Genome position (GRCh38, 1-based): chr10:17,085,630, G>C on the plus strand (C>G on the coding strand, the complement: CUBN is on the minus strand). VCF-style: chr10-17085630-G-C. GRCh37 (hg19) VCF-style: chr10-17127629-G-C.
Other names: short protein forms Q693E.
Identifiers: ClinVar variation 1433263 (VCV001433263.8), dbSNP rs2131865388, ClinGen allele CA376149423.